The following is an entry in ClinVar:

NM_018979.4(WNK1):c.*24A>G

Gene: WNK1 (WNK lysine deficient protein kinase 1; plus strand). Cytogenetic location: 12p13.33.
Variant type: single nucleotide variant.
Coding change: c.*24A>G on transcript NM_018979.4 (MANE Select); 24 bases downstream of the stop codon, A replaced by G.
Molecular consequence: 3 prime UTR variant.
Genome position (GRCh38, 1-based): chr12:908,816, A>G. VCF-style: chr12-908816-A-G. GRCh37 (hg19) VCF-style: chr12-1017982-A-G.
Other names: c.*24A>G (NM_001184985.2, NM_014823.3, NM_213655.5).
Identifiers: ClinVar variation 880747 (VCV000880747.4), dbSNP rs367692602, ClinGen allele CA6383575.
Genomic context (GRCh38, chr12:908,816, plus strand): 5'-CAGCAACCCCCCAGGCTCCAACCTGCGGACCACTTAGACCTAGAGACATTAACTGAATAG[A>G]TCTGGGGGCAGGAGATGGAATGCTGAGGGGGTGGGTGGGGGTGGGAAGTAGCCTATATAC-3'

ClinVar aggregate classification (germline): Likely benign (1 of 4 stars; one submission).

Conditions:
Pseudohypoaldosteronism type 2C (PHA2C). Also called: Pseudohypoaldosteronism Type IIC. Identifiers: Orphanet 757, Orphanet 88940, MedGen C1840391, MONDO:0013778, OMIM 614492.

Allele frequency attached by ClinVar (database versions not stated): ExAC 0.00006; gnomAD exomes 0.00008 and 0.00038; gnomAD 0.00009; TOPMed 0.00012; ESP Exome Variant Server 0.00023.
gnomAD v4.1: 386 of 1,124,178 alleles (0.034%); highest among the groups gnomAD compares: Non-Finnish European, 0.044%; no homozygotes.

Submission:

Illumina Laboratory Services, Illumina
Classification: Likely benign for Pseudohypoaldosteronism type 2C. Last evaluated: 2018-01-13. Review status: criteria provided, single submitter. Criteria: ICSL Variant Classification Criteria 13 December 2019. Collection method: clinical testing. Allele origin: germline.
Comment: This variant was observed in the ICSL laboratory as part of a predisposition screen in an ostensibly healthy population. It had not been previously curated by ICSL or reported in the Human Gene Mutation Database (HGMD: prior to June 1st, 2018), and was therefore a candidate for classification through an automated scoring system. Utilizing variant allele frequency, disease prevalence and penetrance estimates, and inheritance mode, an automated score was calculated to assess if this variant is too frequent to cause the disease. Based on the score and internal cut-off values, a variant classified as likely benign is not then subjected to further curation. The score for this variant resulted in a classification of likely benign for this disease.